The following is an entry in ClinVar:

NM_001347721.2(DYRK1A):c.250_251del (p.Leu84fs)

Gene: DYRK1A (dual specificity tyrosine phosphorylation regulated kinase 1A; plus strand). Cytogenetic location: 21q22.13.
Variant type: Deletion.
Coding change: c.250_251del on transcript NM_001347721.2 (MANE Select); coding-DNA positions 250 to 251, 2 bases deleted (CT; older notation c.250_251delCT).
Protein change: p.Leu84fs; shifts the reading frame from leucine 84.
Molecular consequence: frameshift variant.
Genome position (GRCh38, 1-based): chr21:37,478,250-37,478,251, CT deleted. VCF-style (leftmost placement, unchanged base first): chr21-37478249-CCT-C. GRCh37 (hg19) VCF-style: chr21-38850551-CCT-C.
Other names: c.250_251del, p.Leu84fs (NM_001347722.2, NM_130436.2); c.163_164del, p.Leu55fs (NM_001347723.2); c.277_278del, p.Leu93fs (NM_001396.5, NM_101395.2, NM_130438.2); c.250_251delCT (NM_001347721.1); short protein forms L55fs, L84fs, L93fs.
Identifiers: ClinVar variation 1691633 (VCV001691633.5), dbSNP rs2148571595, ClinGen allele CA2573157413.

ClinVar aggregate classification (germline): Pathogenic/Likely pathogenic. Review status: criteria provided, multiple submitters, no conflicts (2 of 4 stars). 3 submissions from 3 submitters: Pathogenic (2); Likely pathogenic (1). Last evaluated 2026-02-27.

Conditions:
DYRK1A-related intellectual disability syndrome (MRD7). Also called: DYRK1A Syndrome; Intellectual developmental disorder, autosomal dominant 7. Identifiers: Orphanet 464306, MedGen C5568143, MONDO:0013578, OMIM 614104.

Submissions (3):

Laboratorio de Genetica e Diagnostico Molecular, Hospital Israelita Albert Einstein
Classification: Likely pathogenic for DYRK1A-related intellectual disability syndrome. Last evaluated: 2026-02-27. Review status: criteria provided, single submitter. Criteria: ACMG Guidelines, 2015. Collection method: clinical testing. Allele origin: germline. Affected: yes.
Comment: ACMG classification criteria: PVS1 very strong, PM2 supporting

Victorian Clinical Genetics Services, Murdoch Childrens Research Institute
Classification: Pathogenic for DYRK1A-related intellectual disability syndrome. Last evaluated: 2023-12-21. Review status: criteria provided, single submitter. Criteria: ACMG Guidelines, 2015. Collection method: clinical testing. Allele origin: germline. Inheritance: Autosomal dominant inheritance. Affected: yes.
Comment: Based on the classification scheme VCGS_Germline_v1.3.4, this variant is classified as Pathogenic. Following criteria are met: 0102 - Loss of function is a known mechanism of disease in this gene and is associated with intellectual developmental disorder, 7 (MIM#614104). (I) 0107 - This gene is associated with autosomal dominant disease. (I) 0201 - Variant is predicted to cause nonsense-mediated decay (NMD) and loss of protein (premature termination codon is located at least 54 nucleotides upstream of the final exon-exon junction). (SP) 0251 - This variant is heterozygous. (I) 0301 - Variant is absent from gnomAD (both v2 and v3). (SP) 0701 - Other NMD-predicted variants comparable to the one identified in this case have very strong previous evidence for pathogenicity (PMID: 34253714, DECIPHER). (SP) 0803 - This variant has limited previous evidence of pathogenicity in an unrelated individual. This variant has been reported as pathogenic (ClinVar). (SP) 0905 - No published segregation evidence has been identified for this variant. (I) 1007 - No published functional evidence has been identified for this variant. (SP) Legend: (SP) - Supporting pathogenic, (I) - Information, (SB) - Supporting benign

GeneDx
Classification: Pathogenic. Last evaluated: 2021-12-06. Review status: criteria provided, single submitter. Criteria: GeneDx Variant Classification Process June 2021. Collection method: clinical testing. Allele origin: germline. Affected: yes.
Comment: Frameshift variant predicted to result in protein truncation or nonsense mediated decay in a gene for which loss-of-function is a known mechanism of disease; Not observed at significant frequency in large population cohorts (gnomAD); Has not been previously published as pathogenic or benign to our knowledge

Literature cited by the submitters: PubMed 34253714 (cited by Victorian Clinical Genetics Services, Murdoch Childrens Research Institute).